The following is an entry in ClinVar:

NM_001171.6(ABCC6):c.2477T>C (p.Leu826Pro)

Gene: ABCC6 (ATP binding cassette subfamily C member 6; minus strand). Cytogenetic location: 16p13.11.
Variant type: single nucleotide variant.
Coding change: c.2477T>C on transcript NM_001171.6 (MANE Select); coding-DNA position 2477, T replaced by C.
Protein change: p.Leu826Pro; replaces leucine 826 with proline.
Molecular consequence: missense variant.
Genome position (GRCh38, 1-based): chr16:16,177,565, A>G on the plus strand (T>C on the coding strand, the complement: ABCC6 is on the minus strand). VCF-style: chr16-16177565-A-G. GRCh37 (hg19) VCF-style: chr16-16271422-A-G.
Other names: c.2135T>C, p.Leu712Pro (NM_001351800.1); short protein forms L826P, L712P.
Identifiers: ClinVar variation 433279 (VCV000433279.13), dbSNP rs72653798, ClinGen allele CA7925906.
Genomic context (GRCh38, chr16:16,177,565, plus strand): 5'-GCCCCCTTCCTCTGCAGAAGCTCCTGGTAGGAACCCATCTCTGCGATGGCCCCATTTGCC[A>G]GCACTATGATCCAATCAGCCTGGGGCAGGATGTGGAGTGCGTGCGTCACGAGAATCCGTG-3'
Protein context (NP_001162.5, residues 816-836): ILPQADWIIV[Leu826Pro]ANGAIAEMGS

ClinVar aggregate classification (germline): Conflicting classifications of pathogenicity. Review status: criteria provided, conflicting classifications (1 of 4 stars). 7 submissions from 7 submitters: Pathogenic (1); Likely pathogenic (2); Uncertain significance (3). 1 of the submissions does not count toward it. Last evaluated 2025-06-24.

Conditions:
Retinal dystrophy. Also called: Inherited retinal dystrophy. Identifiers: Orphanet 71862, MedGen C0854723, MeSH D058499, MONDO:0019118, HP:0000556.
Autosomal recessive inherited pseudoxanthoma elasticum (PXE). Identifiers: Orphanet 758, MedGen CN032334, MONDO:0009925, OMIM 264800.
ABCC6-related disorder. Also called: ABCC6-related condition.
Pseudoxanthoma elasticum, forme fruste. Also called: PSEUDOXANTHOMA ELASTICUM, HETEROZYGOUS; Pseudoxanthoma Elasticum, Incomplete. Identifiers: Orphanet 758, MedGen C1867450, MONDO:0008333, OMIM 177850.
Arterial calcification, generalized, of infancy, 2. Identifiers: Orphanet 51608, MedGen C3276161, MONDO:0013768, OMIM 614473.

Allele frequency attached by ClinVar (database versions not stated): ExAC 0.00003; gnomAD 0.00001; TOPMed 0.00002; gnomAD exomes 0.00004 and 0.00001.
gnomAD v4.1: 15 of 1,614,114 alleles (0.00093%); highest among the groups gnomAD compares: East Asian, 0.033%; no homozygotes.

Submissions (7):

PreventionGenetics, part of Exact Sciences
Classification: Uncertain significance for ABCC6-related condition. Last evaluated: 2025-06-24. Review status: criteria provided, single submitter. Criteria: ACMG Guidelines, 2015. Collection method: clinical testing. Allele origin: germline.
Comment: The ABCC6 c.2477T>C variant is predicted to result in the amino acid substitution p.Leu826Pro. This variant has been reported with other ABCC6 variants in two individuals with pseudoxanthoma elasticum (Plomp et al. 2008. PubMed ID: 18253096). This variant has also been reported in the heterozygous state in at least one individual with aortic dissection (Zheng et al. 2018. PubMed ID: 30056620; Table S2, Pan et al. 2020. PubMed ID: 32154576). In vitro experimental studies suggest this variant abolishes beta-galactosidase signaling and ABCC6 expression compared to wildtype (Ran et al. 2018. PubMed ID: 30154241). This variant is reported in 0.049% of alleles in individuals of East Asian descent in gnomAD. Although we suspect that this variant may be pathogenic, at this time, the clinical significance of this variant is uncertain due to the absence of conclusive functional and genetic evidence.

Fulgent Genetics
Classification: Likely pathogenic for Pseudoxanthoma elasticum, forme fruste; Autosomal recessive inherited pseudoxanthoma elasticum; Arterial calcification, generalized, of infancy, 2. Last evaluated: 2024-04-24. Review status: criteria provided, single submitter. Criteria: ACMG Guidelines, 2015. Collection method: clinical testing. Allele origin: germline.

Blueprint Genetics
Classification: Uncertain significance. Last evaluated: 2024-03-14. Review status: criteria provided, single submitter. Criteria: ACMG Guidelines, 2015. Collection method: clinical testing. Allele origin: germline.

Institute of Human Genetics, Univ. Regensburg, Univ. Regensburg
Classification: Pathogenic for Retinal dystrophy. Last evaluated: 2023-01-01. Review status: criteria provided, single submitter. Criteria: ACMG Guidelines, 2015. Collection method: clinical testing. Allele origin: germline. Affected: yes.

Labcorp Genetics (formerly Invitae), Labcorp
Classification: Uncertain significance. Last evaluated: 2021-11-02. Review status: criteria provided, single submitter. Criteria: Invitae Variant Classification Sherloc (09022015). Collection method: clinical testing. Allele origin: germline.
Comment: In summary, the available evidence is currently insufficient to determine the role of this variant in disease. Therefore, it has been classified as a Variant of Uncertain Significance. Experimental studies have shown that this missense change affects ABCC6 function (PMID: 30154241). Advanced modeling of protein sequence and biophysical properties (such as structural, functional, and spatial information, amino acid conservation, physicochemical variation, residue mobility, and thermodynamic stability) performed at Invitae indicates that this missense variant is expected to disrupt ABCC6 protein function. ClinVar contains an entry for this variant (Variation ID: 433279). This missense change has been observed in individual(s) with pseudoxanthoma elasticum (PMID: 18253096). This variant is present in population databases (rs72653798, gnomAD 0.05%). This sequence change replaces leucine, which is neutral and non-polar, with proline, which is neutral and non-polar, at codon 826 of the ABCC6 protein (p.Leu826Pro).

Juno Genomics, Hangzhou Juno Genomics, Inc
Classification: Likely pathogenic for Autosomal recessive inherited pseudoxanthoma elasticum. Review status: criteria provided, single submitter. Criteria: ACMG Guidelines, 2015. Collection method: clinical testing. Allele origin: germline. Affected: yes.
Comment: Absent from controls (or at extremely low frequency if recessive) in Genome Aggregation Database.;Well-established in vitro or in vivo functional studies supportive of a damaging effect on the gene or gene product.;For recessive disorders, detected in trans with a pathogenic variant.;Patient's phenotype or family history is highly specific for a disease with a single genetic etiology.

PXE International
Classification: Pathogenic for Autosomal recessive inherited pseudoxanthoma elasticum. Last evaluated: 2021-03-01. Review status: no assertion criteria provided. Collection method: research. Allele origin: germline. Inheritance: Autosomal recessive inheritance. Affected: yes. Not counted in ClinVar's aggregate classification.

Literature cited by the submitters: PubMed 18253096 (cited by 3 submitters); PubMed 30154241 (cited by Institute of Human Genetics, Univ. Regensburg, Univ. Regensburg and Labcorp Genetics (formerly Invitae), Labcorp); PubMed 30056620 (cited by Institute of Human Genetics, Univ. Regensburg, Univ. Regensburg); PubMed 32154576 (cited by Institute of Human Genetics, Univ. Regensburg, Univ. Regensburg); PubMed 34205333 (cited by Institute of Human Genetics, Univ. Regensburg, Univ. Regensburg); PubMed 34426522 (cited by Institute of Human Genetics, Univ. Regensburg, Univ. Regensburg); PubMed 32873932 (cited by Institute of Human Genetics, Univ. Regensburg, Univ. Regensburg and PXE International).